The following is an entry in ClinVar:

ClinVar aggregate classification (germline): Uncertain significance (1 of 4 stars; one submission).

Allele frequency attached by ClinVar (database versions not stated): TOPMed below 0.00001; gnomAD exomes 0.00001.
gnomAD v4.1: 7 of 1,613,498 alleles (0.00043%); highest among the groups gnomAD compares: South Asian, 0.0033%; no homozygotes.

Submission:

Labcorp Genetics (formerly Invitae), Labcorp
Classification: Uncertain significance. Last evaluated: 2021-03-07. Review status: criteria provided, single submitter. Criteria: Invitae Variant Classification Sherloc (09022015). Collection method: clinical testing. Allele origin: germline.
Comment: Algorithms developed to predict the effect of missense changes on protein structure and function are either unavailable or do not agree on the potential impact of this missense change (SIFT: "Tolerated"; PolyPhen-2: "Possibly Damaging"; Align-GVGD: "Class C0"). In summary, the available evidence is currently insufficient to determine the role of this variant in disease. Therefore, it has been classified as a Variant of Uncertain Significance. This sequence change replaces histidine with arginine at codon 786 of the RASGRP1 protein (p.His786Arg). The histidine residue is moderately conserved and there is a small physicochemical difference between histidine and arginine. This variant is not present in population databases (ExAC no frequency). This variant has not been reported in the literature in individuals with RASGRP1-related conditions.

NM_005739.4(RASGRP1):c.2357A>G (p.His786Arg)

Gene: RASGRP1 (RAS guanyl releasing protein 1; minus strand). Cytogenetic location: 15q14.
Variant type: single nucleotide variant.
Coding change: c.2357A>G on transcript NM_005739.4 (MANE Select); coding-DNA position 2357, A replaced by G.
Protein change: p.His786Arg; replaces histidine 786 with arginine.
Molecular consequence: missense variant. On other transcripts: 3 prime UTR variant (1).
Genome position (GRCh38, 1-based): chr15:38,490,591, T>C on the plus strand (A>G on the coding strand, the complement: RASGRP1 is on the minus strand). VCF-style: chr15-38490591-T-C. GRCh37 (hg19) VCF-style: chr15-38782792-T-C.
Other names: c.2252A>G, p.His751Arg (NM_001128602.2); c.*72A>G (NM_001306086.2); short protein forms H751R, H786R.
Identifiers: ClinVar variation 1514676 (VCV001514676.7), dbSNP rs1196167299, ClinGen allele CA391660737.